The following is an entry in ClinVar:

NM_198253.3(TERT):c.2391C>G (p.Ser797=)

Gene: TERT (telomerase reverse transcriptase; minus strand). Cytogenetic location: 5p15.33.
Variant type: single nucleotide variant.
Coding change: c.2391C>G on transcript NM_198253.3 (MANE Select); coding-DNA position 2391, C replaced by G.
Protein change: p.Ser797=; no amino-acid change (serine 797 retained).
Molecular consequence: synonymous variant.
Genome position (GRCh38, 1-based): chr5:1,271,196, G>C on the plus strand (C>G on the coding strand, the complement: TERT is on the minus strand). VCF-style: chr5-1271196-G-C. GRCh37 (hg19) VCF-style: chr5-1271311-G-C.
Other names: c.2391C>G, p.Ser797= (NM_001193376.3).
Identifiers: ClinVar variation 350724 (VCV000350724.48), dbSNP rs377216965, ClinGen allele CA3184524.

ClinVar aggregate classification (germline): Conflicting classifications of pathogenicity. Review status: criteria provided, conflicting classifications (1 of 4 stars). 10 submissions from 8 submitters: Uncertain significance (2); Benign (4); Likely benign (4). Last evaluated 2026-01-20.

Conditions:
Idiopathic Pulmonary Fibrosis. Also called: Idiopathic fibrosing alveolitis, chronic form; idiopathic fibrosing alveolitis. Identifiers: Orphanet 2032, MedGen C1800706, MeSH D054990, MONDO:0800504.
Dyskeratosis congenita, autosomal dominant 2. Identifiers: MedGen C3151443, MONDO:0013521, OMIM 613989.
Pulmonary fibrosis and/or bone marrow failure, Telomere-related, 1. Also called: PULMONARY FIBROSIS AND/OR BONE MARROW FAILURE SYNDROME, TELOMERE-RELATED, 1. Identifiers: Orphanet 88, MedGen C3553617, MONDO:0013878, OMIM 614742.
Dyskeratosis congenita. Identifiers: Orphanet 1775, MedGen C0265965, MONDO:0015780.
Aplastic anemia. Identifiers: Orphanet 182040, Orphanet 88, MedGen C0002874, MONDO:0015909, OMIM 609135, HP:0001915.

Allele frequency attached by ClinVar (database versions not stated): gnomAD exomes 0.00018 and 0.00045; gnomAD 0.00019 and 0.00020; TOPMed 0.00025; ESP Exome Variant Server 0.00031; ExAC 0.00040.
gnomAD v4.1: 325 of 1,613,016 alleles (0.02%); highest among the groups gnomAD compares: Non-Finnish European, 0.0037%; 1 homozygote.

Submissions (10):

Labcorp Genetics (formerly Invitae), Labcorp
Classification: Benign for Dyskeratosis congenita, autosomal dominant 2; Idiopathic Pulmonary Fibrosis. Last evaluated: 2026-01-20. Review status: criteria provided, single submitter. Criteria: Invitae Variant Classification Sherloc (09022015). Collection method: clinical testing. Allele origin: germline.

CeGaT Center for Human Genetics Tuebingen
Classification: Likely benign. Last evaluated: 2025-11-01. Review status: criteria provided, single submitter. Criteria: CeGaT Center For Human Genetics Tuebingen Variant Classification Criteria Version 2. Collection method: clinical testing. Allele origin: germline. Affected: yes. Observed: 2 variant alleles.
Comment: TERT: BP4, BP7

Blueprint Genetics
Classification: Likely benign. Last evaluated: 2024-08-02. Review status: criteria provided, single submitter. Criteria: ACMG Guidelines, 2015. Collection method: clinical testing. Allele origin: germline.

Sema4
Classification: Benign for Dyskeratosis congenita. Last evaluated: 2021-02-18. Review status: criteria provided, single submitter. Criteria: Sema4 Curation Guidelines. Collection method: curation. Allele origin: germline.

Genetic Services Laboratory, University of Chicago
Classification: Likely benign. Last evaluated: 2020-02-04. Review status: criteria provided, single submitter. Criteria: ACMG Guidelines, 2015. Collection method: clinical testing. Allele origin: germline. Affected: no.

GeneDx
Classification: Likely benign. Last evaluated: 2019-12-17. Review status: criteria provided, single submitter. Criteria: GeneDx Variant Classification Process June 2021. Collection method: clinical testing. Allele origin: germline. Affected: yes.

Ambry Genetics
Classification: Benign for Dyskeratosis congenita. Last evaluated: 2018-09-07. Review status: criteria provided, single submitter. Criteria: Ambry Variant Classification Scheme 2023. Collection method: clinical testing. Allele origin: germline.

Illumina Laboratory Services, Illumina
Classification: Benign for Pulmonary fibrosis and/or bone marrow failure, Telomere-related, 1. Last evaluated: 2018-01-12. Review status: criteria provided, single submitter. Criteria: ICSL Variant Classification Criteria 13 December 2019. Collection method: clinical testing. Allele origin: germline.
Comment: This variant was observed in the ICSL laboratory as part of a predisposition screen in an ostensibly healthy population. It had not been previously curated by ICSL or reported in the Human Gene Mutation Database (HGMD: prior to June 1st, 2018), and was therefore a candidate for classification through an automated scoring system. Utilizing variant allele frequency, disease prevalence and penetrance estimates, and inheritance mode, an automated score was calculated to assess if this variant is too frequent to cause the disease. Based on the score and internal cut-off values, a variant classified as benign is not then subjected to further curation. The score for this variant resulted in a classification of benign for this disease.

Illumina Laboratory Services, Illumina
Classification: Uncertain significance for Dyskeratosis congenita, autosomal dominant 2. Last evaluated: 2018-01-12. Review status: criteria provided, single submitter. Criteria: ICSL Variant Classification Criteria 13 December 2019. Collection method: clinical testing. Allele origin: germline.

Illumina Laboratory Services, Illumina
Classification: Uncertain significance for Aplastic anemia. Last evaluated: 2018-01-12. Review status: criteria provided, single submitter. Criteria: ICSL Variant Classification Criteria 13 December 2019. Collection method: clinical testing. Allele origin: germline.